The following is an entry in ClinVar:

ClinVar aggregate classification (germline): Conflicting classifications of pathogenicity. Review status: criteria provided, conflicting classifications (1 of 4 stars). 2 submissions from 2 submitters: Uncertain significance (1); Likely benign (1). Last evaluated 2025-10-06.

Conditions:
Hereditary cancer-predisposing syndrome. Also called: Hereditary Cancer Syndrome; Hereditary neoplastic syndrome; Tumor predisposition; Neoplastic Syndromes, Hereditary. Identifiers: Orphanet 140162, MedGen C0027672, MeSH D009386, MONDO:0015356.

gnomAD v4.1: 2 of 1,613,890 alleles (0.00012%); highest among the groups gnomAD compares: Non-Finnish European, 0.00017%; no homozygotes.

Submissions (2):

Labcorp Genetics (formerly Invitae), Labcorp
Classification: Uncertain significance. Last evaluated: 2025-10-06. Review status: criteria provided, single submitter. Criteria: Invitae Variant Classification Sherloc (09022015). Collection method: clinical testing. Allele origin: germline.
Comment: This sequence change affects codon 757 of the POLE mRNA. It is a 'silent' change, meaning that it does not change the encoded amino acid sequence of the POLE protein. This variant is not present in population databases (gnomAD no frequency). This variant has not been reported in the literature in individuals affected with POLE-related conditions. ClinVar contains an entry for this variant (Variation ID: 1788789). Algorithms developed to predict the effect of sequence changes on RNA splicing suggest that this variant may create or strengthen a splice site. In summary, the available evidence is currently insufficient to determine the role of this variant in disease. Therefore, it has been classified as a Variant of Uncertain Significance.

Ambry Genetics
Classification: Likely benign for Hereditary cancer-predisposing syndrome. Last evaluated: 2018-06-28. Review status: criteria provided, single submitter. Criteria: Ambry Variant Classification Scheme 2023. Collection method: clinical testing. Allele origin: germline.

NM_006231.4(POLE):c.2271C>G (p.Thr757=)

Gene: POLE (DNA polymerase epsilon, catalytic subunit; minus strand). Cytogenetic location: 12q24.33.
Variant type: single nucleotide variant.
Coding change: c.2271C>G on transcript NM_006231.4 (MANE Select); coding-DNA position 2271, C replaced by G.
Protein change: p.Thr757=; no amino-acid change (threonine 757 retained).
Molecular consequence: synonymous variant.
Genome position (GRCh38, 1-based): chr12:132,667,551, G>C on the plus strand (C>G on the coding strand, the complement: POLE is on the minus strand). VCF-style: chr12-132667551-G-C. GRCh37 (hg19) VCF-style: chr12-133244137-G-C.
Identifiers: ClinVar variation 1788789 (VCV001788789.7), dbSNP rs765532123, ClinGen allele CA482721389.
Genomic context (GRCh38, chr12:132,667,551, plus strand): 5'-CTCAGAGCTCACCTTGTGGAGCCCTTTGAACTCGTAACGCCTGTCCCGGAAGGCACGCAC[G>C]GTGTCCACGTAGAAGGAGTTTTCCCGCTGGCAGATGGTGGTGAGACGCTCTTCCACCTTG-3'
Protein context (NP_006222.2, residues 747-767): CQRENSFYVD[Thr757=]VRAFRDRRYE